The following is an entry in ClinVar:

ClinVar aggregate classification (germline): Uncertain significance (1 of 4 stars; one submission).

Conditions:
Leukodystrophy, hypomyelinating, 11. Identifiers: Orphanet 88637, MedGen C4225305, MONDO:0014666, OMIM 616494.

gnomAD v4.1: 1 of 1,614,110 alleles (0.000062%); highest among the groups gnomAD compares: South Asian, 0.0011%; no homozygotes.

Submission:

Neuberg Centre For Genomic Medicine, NCGM
Classification: Uncertain significance for Leukodystrophy, hypomyelinating, 11. Last evaluated: 2023-02-14. Review status: criteria provided, single submitter. Criteria: ACMG Guidelines, 2015. Collection method: clinical testing. Allele origin: germline. Inheritance: Autosomal recessive inheritance. Affected: yes.
Comment: The missense variant c.941G>T (p.Gly314Val) in the POLR1C gene has not been reported previously as a pathogenic variant nor as a benign variant, to our knowledge. This variant is novel (not in any individuals) in gnomAD Exomes and 1000 Genomes. The amino acid Glycine at position 314 is changed to a Valine changing protein sequence and it might alter its composition and physico-chemical properties. The variant is predicted as damaging by SIFT. The amino acid change p.Gly314Val in POLR1C is predicted as conserved by GERP++ and PhyloP across 100 vertebrates. For these reasons, this variant has been classified as Uncertain Significance.

NM_203290.4(POLR1C):c.941G>T (p.Gly314Val)

Gene: POLR1C (RNA polymerase I and III subunit C; plus strand). Cytogenetic location: 6p21.1.
Variant type: single nucleotide variant.
Coding change: c.941G>T on transcript NM_203290.4 (MANE Select); coding-DNA position 941, G replaced by T.
Protein change: p.Gly314Val; replaces glycine 314 with valine.
Molecular consequence: missense variant. On other transcripts: intron variant (2).
Genome position (GRCh38, 1-based): chr6:43,521,200, G>T. VCF-style: chr6-43521200-G-T. GRCh37 (hg19) VCF-style: chr6-43488938-G-T.
Other names: c.922+152G>T (NM_001318876.2, NM_001363658.2); short protein forms G314V.
Identifiers: ClinVar variation 2671779 (VCV002671779.1), dbSNP rs769006912, ClinGen allele CA364285264.